The following is an entry in ClinVar:

ClinVar aggregate classification (germline): Uncertain significance. Review status: criteria provided, multiple submitters, no conflicts (2 of 4 stars). 2 submissions from 2 submitters: Uncertain significance (2). Last evaluated 2025-02-25.

Conditions:
Inborn genetic diseases. Identifiers: MedGen C0950123, MeSH D030342.

Allele frequency attached by ClinVar (database versions not stated): gnomAD exomes below 0.00001; TOPMed 0.00001.
gnomAD v4.1: 8 of 1,613,676 alleles (0.0005%); highest among the groups gnomAD compares: East Asian, 0.0022%; no homozygotes.

Submissions (2):

Ambry Genetics
Classification: Uncertain significance for Inborn genetic diseases. Last evaluated: 2025-02-25. Review status: criteria provided, single submitter. Criteria: Ambry Variant Classification Scheme 2023. Collection method: clinical testing. Allele origin: germline.

Labcorp Genetics (formerly Invitae), Labcorp
Classification: Uncertain significance. Last evaluated: 2022-03-19. Review status: criteria provided, single submitter. Criteria: Invitae Variant Classification Sherloc (09022015). Collection method: clinical testing. Allele origin: germline.
Comment: This sequence change replaces aspartic acid, which is acidic and polar, with asparagine, which is neutral and polar, at codon 164 of the ATAD1 protein (p.Asp164Asn). This variant is present in population databases (no rsID available, gnomAD 0.01%). This variant has not been reported in the literature in individuals affected with ATAD1-related conditions. Algorithms developed to predict the effect of missense changes on protein structure and function are either unavailable or do not agree on the potential impact of this missense change (SIFT: "Not Available"; PolyPhen-2: "Probably Damaging"; Align-GVGD: "Not Available"). In summary, the available evidence is currently insufficient to determine the role of this variant in disease. Therefore, it has been classified as a Variant of Uncertain Significance.

NM_001321967.2(ATAD1):c.490G>A (p.Asp164Asn)

Gene: ATAD1 (ATPase family AAA domain containing 1; minus strand). Cytogenetic location: 10q23.31.
Variant type: single nucleotide variant.
Coding change: c.490G>A on transcript NM_001321967.2 (MANE Select); coding-DNA position 490, G replaced by A.
Protein change: p.Asp164Asn; replaces aspartic acid 164 with asparagine.
Molecular consequence: missense variant. On other transcripts: non-coding transcript variant (1).
Genome position (GRCh38, 1-based): chr10:87,784,563, C>T on the plus strand (G>A on the coding strand, the complement: ATAD1 is on the minus strand). VCF-style: chr10-87784563-C-T. GRCh37 (hg19) VCF-style: chr10-89544320-C-T.
Other names: c.490G>A, p.Asp164Asn (NM_001321968.2, NM_032810.4); c.133G>A, p.Asp45Asn (NM_001321969.2); c.490G>A (NM_032810.2); short protein forms D164N, D45N.
Identifiers: ClinVar variation 1518626 (VCV001518626.6), dbSNP rs1422620549, ClinGen allele CA377491230.
Genomic context (GRCh38, chr10:87,784,563, plus strand): 5'-GCTTTATGGCAAGGGAGAAGACAGCAGCAGCCAATTTCTGAGATTCTCCATACCACTTAT[C>T]GGTCAGTGTCGAAGGCTGAAGGTTAATAAATCGACAGCCTGCTTCTTTGGCTGTGGCCTT-3'
Protein context (NP_001308896.1, residues 154-174): FINLQPSTLT[Asp164Asn]KWYGESQKLA